The following is an entry in ClinVar:

ClinVar aggregate classification (germline): Uncertain significance (1 of 4 stars; one submission).

Allele frequency attached by ClinVar (database versions not stated): gnomAD exomes below 0.00001.
gnomAD v4.1: 3 of 1,614,138 alleles (0.00019%); highest among the groups gnomAD compares: Admixed American, 0.005%; no homozygotes.

Submission:

Labcorp Genetics (formerly Invitae), Labcorp
Classification: Uncertain significance. Last evaluated: 2024-07-31. Review status: criteria provided, single submitter. Criteria: Invitae Variant Classification Sherloc (09022015). Collection method: clinical testing. Allele origin: germline.
Comment: This sequence change replaces leucine, which is neutral and non-polar, with phenylalanine, which is neutral and non-polar, at codon 748 of the DSG1 protein (p.Leu748Phe). This variant is present in population databases (no rsID available, gnomAD 0.006%). This variant has not been reported in the literature in individuals affected with DSG1-related conditions. Advanced modeling of protein sequence and biophysical properties (such as structural, functional, and spatial information, amino acid conservation, physicochemical variation, residue mobility, and thermodynamic stability) performed at Invitae indicates that this missense variant is not expected to disrupt DSG1 protein function with a negative predictive value of 80%. In summary, the available evidence is currently insufficient to determine the role of this variant in disease. Therefore, it has been classified as a Variant of Uncertain Significance.

NM_001942.4(DSG1):c.2244G>T (p.Leu748Phe)

Genes: DSG1 (desmoglein 1; plus strand), DSG1-AS1 (DSG1 antisense RNA 1; minus strand), LOC126862720 (MED14-independent group 3 enhancer GRCh37_chr18:28933613-28934812; plus strand). Cytogenetic location: 18q12.1.
Variant type: single nucleotide variant.
Coding change: c.2244G>T on transcript NM_001942.4 (MANE Select); coding-DNA position 2244, G replaced by T.
Protein change: p.Leu748Phe; replaces leucine 748 with phenylalanine.
Molecular consequence: missense variant. On other transcripts: non-coding transcript variant (1).
Genome position (GRCh38, 1-based): chr18:31,354,440, G>T. VCF-style: chr18-31354440-G-T. GRCh37 (hg19) VCF-style: chr18-28934403-G-T.
Other names: short protein forms L748F.
Identifiers: ClinVar variation 2977499 (VCV002977499.3), dbSNP rs1415023596, ClinGen allele CA402121635.